The following is an entry in ClinVar:

NM_133379.5(TTN):c.13221G>A (p.Lys4407=)

Gene: TTN (titin; minus strand). Cytogenetic location: 2q31.2.
Variant type: single nucleotide variant.
Coding change: c.13221G>A on transcript NM_133379.5; coding-DNA position 13221, G replaced by A.
Protein change: p.Lys4407=; no amino-acid change (lysine 4407 retained).
Molecular consequence: synonymous variant. On other transcripts: intron variant (6).
Genome position (GRCh38, 1-based): chr2:178,749,179, C>T on the plus strand (G>A on the coding strand, the complement: TTN is on the minus strand). VCF-style: chr2-178749179-C-T. GRCh37 (hg19) VCF-style: chr2-179613906-C-T.
Other names: c.10222+3945G>A (NM_003319.4); c.10798+3945G>A (NM_133437.4); c.10597+3945G>A (NM_133432.3); c.10360+3945G>A (NM_133378.4, NM_001256850.1); c.11311+3945G>A (NM_001267550.2).
Identifiers: ClinVar variation 179944 (VCV000179944.6), dbSNP rs529300203, ClinGen allele CA185479.

ClinVar aggregate classification (germline): Likely benign. Review status: criteria provided, multiple submitters, no conflicts (2 of 4 stars). 2 submissions from 2 submitters: Likely benign (2). Last evaluated 2024-07-02.

Allele frequency attached by ClinVar (database versions not stated): gnomAD below 0.00001 and 0.00009; TOPMed 0.00001; gnomAD exomes 0.00022 and 0.00057; ExAC 0.00069; 1000 Genomes Project 30x 0.00172; 1000 Genomes Project 0.00200.
gnomAD v4.1: 342 of 1,611,292 alleles (0.021%); highest among the groups gnomAD compares: South Asian, 0.35%; 5 homozygotes.

Submissions (2):

Blueprint Genetics
Classification: Likely benign. Last evaluated: 2024-07-02. Review status: criteria provided, single submitter. Criteria: ACMG Guidelines, 2015. Collection method: clinical testing. Allele origin: germline.

Laboratory for Molecular Medicine, Mass General Brigham Personalized Medicine
Classification: Likely benign. Last evaluated: 2014-08-13. Review status: criteria provided, single submitter. Criteria: LMM Criteria. Collection method: clinical testing. Allele origin: germline. Observed: 1 variant allele.
Comment: Lys4407Lys in exon 45A of TTN: This variant is not expected to have clinical sig nificance because it does not alter an amino acid residue and is not located wit hin the splice consensus sequence.